The following is an entry in ClinVar:

ClinVar aggregate classification (germline): Uncertain significance. Review status: criteria provided, multiple submitters, no conflicts (2 of 4 stars). 3 submissions from 3 submitters: Uncertain significance (3). Last evaluated 2022-12-12.

Conditions:
Inborn genetic diseases. Identifiers: MedGen C0950123, MeSH D030342.
Charcot-Marie-Tooth disease. Also called: Charcot-Marie-Tooth Hereditary Neuropathy; Charcot-Marie-Tooth Neuropathy. Identifiers: Orphanet 166, MedGen C0007959, MONDO:0015626.
Charcot-Marie-Tooth disease type 4. Also called: Charcot-Marie-Tooth, Type 4; Charcot-Marie-Tooth disease, type IV. Identifiers: Orphanet 64749, MedGen C4082197, MONDO:0018995.

Allele frequency attached by ClinVar (database versions not stated): gnomAD 0.00001 and 0.00002; gnomAD exomes 0.00001; TOPMed 0.00001.

Submissions (3):

Ambry Genetics
Classification: Uncertain significance for Inborn genetic diseases. Last evaluated: 2022-12-12. Review status: criteria provided, single submitter. Criteria: Ambry Variant Classification Scheme 2023. Collection method: clinical testing. Allele origin: germline.

Labcorp Genetics (formerly Invitae), Labcorp
Classification: Uncertain significance for Charcot-Marie-Tooth disease type 4. Last evaluated: 2022-05-10. Review status: criteria provided, single submitter. Criteria: Invitae Variant Classification Sherloc (09022015). Collection method: clinical testing. Allele origin: germline.
Comment: This sequence change replaces aspartic acid, which is acidic and polar, with asparagine, which is neutral and polar, at codon 236 of the NDRG1 protein (p.Asp236Asn). This variant is present in population databases (no rsID available, gnomAD 0.0009%). This variant has not been reported in the literature in individuals affected with NDRG1-related conditions. ClinVar contains an entry for this variant (Variation ID: 917149). Algorithms developed to predict the effect of missense changes on protein structure and function are either unavailable or do not agree on the potential impact of this missense change (SIFT: "Deleterious"; PolyPhen-2: "Probably Damaging"; Align-GVGD: "Class C15"). In summary, the available evidence is currently insufficient to determine the role of this variant in disease. Therefore, it has been classified as a Variant of Uncertain Significance.

Molecular Genetics Laboratory, London Health Sciences Centre
Classification: Uncertain significance for Charcot-Marie-Tooth disease. Review status: criteria provided, single submitter. Criteria: ACMG Guidelines, 2015. Collection method: clinical testing. Allele origin: germline. Affected: yes.

Literature cited by the submitters: PubMed 32376792 (cited by Ambry Genetics).

NM_006096.4(NDRG1):c.706G>A (p.Asp236Asn)

Genes: NDRG1 (N-myc downstream regulated 1; minus strand), LOC126860531 (CDK7 strongly-dependent group 2 enhancer GRCh37_chr8:134259869-134261068; plus strand). Cytogenetic location: 8q24.22.
Variant type: single nucleotide variant.
Coding change: c.706G>A on transcript NM_006096.4 (MANE Select); coding-DNA position 706, G replaced by A.
Protein change: p.Asp236Asn; replaces aspartic acid 236 with asparagine.
Molecular consequence: missense variant.
Genome position (GRCh38, 1-based): chr8:133,248,764, C>T on the plus strand (G>A on the coding strand, the complement: NDRG1 is on the minus strand). VCF-style: chr8-133248764-C-T. GRCh37 (hg19) VCF-style: chr8-134261007-C-T.
Other names: c.463G>A, p.Asp155Asn (NM_001258433.2); c.757G>A, p.Asp253Asn (NM_001374844.1); c.706G>A, p.Asp236Asn (NM_001374845.1, NM_001374846.1, NM_001135242.2); c.508G>A, p.Asp170Asn (NM_001374847.1, NM_001258432.2); short protein forms D155N, D170N, D236N, D253N.
Identifiers: ClinVar variation 917149 (VCV000917149.7), dbSNP rs1337832950, ClinGen allele CA372255244.